The following is an entry in ClinVar:

ClinVar aggregate classification (germline): Uncertain significance (1 of 4 stars; one submission).

gnomAD v4.1: 7 of 1,614,156 alleles (0.00043%); highest among the groups gnomAD compares: Non-Finnish European, 0.00059%; no homozygotes.

Submission:

Labcorp Genetics (formerly Invitae), Labcorp
Classification: Uncertain significance. Last evaluated: 2024-02-15. Review status: criteria provided, single submitter. Criteria: Invitae Variant Classification Sherloc (09022015). Collection method: clinical testing. Allele origin: germline.
Comment: This sequence change replaces arginine, which is basic and polar, with tryptophan, which is neutral and slightly polar, at codon 108 of the RORB protein (p.Arg108Trp). This variant is not present in population databases (gnomAD no frequency). This variant has not been reported in the literature in individuals affected with RORB-related conditions. An algorithm developed to predict the effect of missense changes on protein structure and function (PolyPhen-2) suggests that this variant is likely to be disruptive. In summary, the available evidence is currently insufficient to determine the role of this variant in disease. Therefore, it has been classified as a Variant of Uncertain Significance.

NM_006914.4(RORB):c.322C>T (p.Arg108Trp)

Gene: RORB (RAR related orphan receptor B; plus strand). Cytogenetic location: 9q21.13.
Variant type: single nucleotide variant.
Coding change: c.322C>T on transcript NM_006914.4 (MANE Select); coding-DNA position 322, C replaced by T.
Protein change: p.Arg108Trp; replaces arginine 108 with tryptophan.
Molecular consequence: missense variant.
Genome position (GRCh38, 1-based): chr9:74,642,500, C>T. VCF-style: chr9-74642500-C-T. GRCh37 (hg19) VCF-style: chr9-77257416-C-T.
Other names: c.355C>T, p.Arg119Trp (NM_001365023.1); short protein forms R119W, R108W.
Identifiers: ClinVar variation 3668285 (VCV003668285.2).